The following is an entry in ClinVar:

NM_000051.4(ATM):c.1199T>C (p.Leu400Pro)

Gene: ATM (ATM serine/threonine kinase; plus strand). Cytogenetic location: 11q22.3.
Variant type: single nucleotide variant.
Coding change: c.1199T>C on transcript NM_000051.4 (MANE Select); coding-DNA position 1199, T replaced by C.
Protein change: p.Leu400Pro; replaces leucine 400 with proline.
Molecular consequence: missense variant.
Genome position (GRCh38, 1-based): chr11:108,249,066, T>C. VCF-style: chr11-108249066-T-C. GRCh37 (hg19) VCF-style: chr11-108119793-T-C.
Other names: c.1199T>C, p.Leu400Pro (NM_001351834.2); short protein forms L400P.
Identifiers: ClinVar variation 2103966 (VCV002103966.4), dbSNP rs2135294686, ClinGen allele CA382532592.
Genomic context (GRCh38, chr11:108,249,066, plus strand): 5'-ACAGTGTCCCTTGCAAAAGGAAGAAAATAGAACTAGGCTGGGAAGTAATAAAAGATCACC[T>C]TCAGAAGTCACAGAATGATTTTGATCTTGTGCCTTGGTAAAGTGTTACCATTTTCTCATT-3'
Protein context (NP_000042.3, residues 390-410): ELGWEVIKDH[Leu400Pro]QKSQNDFDLV

ClinVar aggregate classification (germline): Uncertain significance (1 of 4 stars; one submission).

Conditions:
Ataxia-telangiectasia syndrome (AT). Also called: AT, COMPLEMENTATION GROUP C; Ataxia telangiectasia (A-T); LOUIS-BAR SYNDROME; Ataxia-telangiectasia, complementation group D; Ataxia-telangiectasia, complementation group E; ATAXIA-TELANGIECTASIA, COMPLEMENTATION GROUP A. Identifiers: Orphanet 100, MedGen C0004135, MONDO:0008840, OMIM 208900.

Allele frequency attached by ClinVar (database versions not stated): gnomAD exomes below 0.00001.
gnomAD v4.1: 1 of 1,614,008 alleles (0.000062%); highest among the groups gnomAD compares: Non-Finnish European, 0.000085%; no homozygotes.

Submission:

Labcorp Genetics (formerly Invitae), Labcorp
Classification: Uncertain significance for Ataxia-telangiectasia syndrome. Last evaluated: 2022-02-27. Review status: criteria provided, single submitter. Criteria: Invitae Variant Classification Sherloc (09022015). Collection method: clinical testing. Allele origin: germline.
Comment: This variant is not present in population databases (gnomAD no frequency). In summary, the available evidence is currently insufficient to determine the role of this variant in disease. Therefore, it has been classified as a Variant of Uncertain Significance. Advanced modeling of protein sequence and biophysical properties (such as structural, functional, and spatial information, amino acid conservation, physicochemical variation, residue mobility, and thermodynamic stability) performed at Invitae indicates that this missense variant is not expected to disrupt ATM protein function. This variant has not been reported in the literature in individuals affected with ATM-related conditions. This sequence change replaces leucine, which is neutral and non-polar, with proline, which is neutral and non-polar, at codon 400 of the ATM protein (p.Leu400Pro).